The following is an entry in ClinVar:

ClinVar aggregate classification (germline): Likely benign (1 of 4 stars; one submission).

gnomAD v4.1: 45 of 1,613,842 alleles (0.0028%); highest among the groups gnomAD compares: East Asian, 0.02%; no homozygotes.

Submission:

CeGaT Center for Human Genetics Tuebingen
Classification: Likely benign. Last evaluated: 2026-02-01. Review status: criteria provided, single submitter. Criteria: CeGaT Center For Human Genetics Tuebingen Variant Classification Criteria Version 2. Collection method: clinical testing. Allele origin: germline. Affected: yes. Observed: 1 variant allele.
Comment: ADGRL1: BS1

NM_014921.5(ADGRL1):c.2690A>G (p.Asn897Ser)

Genes: ADGRL1 (adhesion G protein-coupled receptor L1; minus strand), ADGRL1-AS1 (ADGRL1 antisense RNA 1; plus strand). Cytogenetic location: 19p13.12.
Variant type: single nucleotide variant.
Coding change: c.2690A>G on transcript NM_014921.5 (MANE Select); coding-DNA position 2690, A replaced by G.
Protein change: p.Asn897Ser; replaces asparagine 897 with serine.
Molecular consequence: missense variant.
Genome position (GRCh38, 1-based): chr19:14,157,306, T>C on the plus strand (A>G on the coding strand, the complement: ADGRL1 is on the minus strand). VCF-style: chr19-14157306-T-C. GRCh37 (hg19) VCF-style: chr19-14268118-T-C.
Other names: c.2705A>G, p.Asn902Ser (NM_001008701.3); short protein forms N897S, N902S.
Identifiers: ClinVar variation 4821755 (VCV004821755.4).
Genomic context (GRCh38, chr19:14,157,306, plus strand): 5'-CCCACCTCATACTGAGTCTTGTCGATCCCGACCAGGAAGAGCAGCTCAGCCAGGAAGAGG[T>C]TGATGCACAGGTTCTTGTGGATGGTGTTGCGGTCGGTCTGCAGCCCCCGCAGGAAGCAGA-3'
Protein context (NP_055736.2, residues 887-907): RNTIHKNLCI[Asn897Ser]LFLAELLFLV